The following is an entry in ClinVar:

NM_177438.3(DICER1):c.2383C>T (p.Pro795Ser)

Gene: DICER1 (dicer 1, ribonuclease III; minus strand). Cytogenetic location: 14q32.13.
Variant type: single nucleotide variant.
Coding change: c.2383C>T on transcript NM_177438.3 (MANE Select); coding-DNA position 2383, C replaced by T.
Protein change: p.Pro795Ser; replaces proline 795 with serine.
Molecular consequence: missense variant. On other transcripts: non-coding transcript variant (6).
Genome position (GRCh38, 1-based): chr14:95,108,377, G>A on the plus strand (C>T on the coding strand, the complement: DICER1 is on the minus strand). VCF-style: chr14-95108377-G-A. GRCh37 (hg19) VCF-style: chr14-95574714-G-A.
Other names: c.2383C>T, p.Pro795Ser (NM_001195573.1, NM_001271282.3, NM_001291628.2 and 13 more transcripts); c.2101C>T, p.Pro701Ser (NM_001395686.1); c.1978C>T, p.Pro660Ser (NM_001395687.1, NM_001395688.1, NM_001395689.1 and 2 more transcripts); c.1816C>T, p.Pro606Ser (NM_001395691.1); c.700C>T, p.Pro234Ser (NM_001395697.1); short protein forms P234S, P795S, P660S, P606S, P701S.
Identifiers: ClinVar variation 2700027 (VCV002700027.3), dbSNP rs1891649224, ClinGen allele CA390882161.
Genomic context (GRCh38, chr14:95,108,377, plus strand): 5'-TACCTACCTGAGGTATGGGTTTGGCCGTCAGTATTCCAAAGCATCTTGTGGTATCTTCAG[G>A]AGGATAGAGCTTCCGCCTTCTAAAGTTGAGTTCATCAGGTAAAGGTGTAGTTAAAACCAT-3'
Protein context (NP_803187.1, residues 785-805): LNFRRRKLYP[Pro795Ser]EDTTRCFGIL

ClinVar aggregate classification (germline): Uncertain significance (1 of 4 stars; one submission).

Conditions:
DICER1-related tumor predisposition. Also called: DICER1-related pleuropulmonary blastoma cancer predisposition syndrome; DICER1 syndrome. Identifiers: Orphanet 284343, MedGen C3839822, MONDO:0100216.

Submission:

Labcorp Genetics (formerly Invitae), Labcorp
Classification: Uncertain significance for DICER1-related tumor predisposition. Last evaluated: 2023-12-01. Review status: criteria provided, single submitter. Criteria: Invitae Variant Classification Sherloc (09022015). Collection method: clinical testing. Allele origin: germline.
Comment: This sequence change replaces proline, which is neutral and non-polar, with serine, which is neutral and polar, at codon 795 of the DICER1 protein (p.Pro795Ser). This variant is not present in population databases (gnomAD no frequency). This variant has not been reported in the literature in individuals affected with DICER1-related conditions. Advanced modeling of protein sequence and biophysical properties (such as structural, functional, and spatial information, amino acid conservation, physicochemical variation, residue mobility, and thermodynamic stability) performed at Invitae indicates that this missense variant is expected to disrupt DICER1 protein function with a positive predictive value of 80%. In summary, the available evidence is currently insufficient to determine the role of this variant in disease. Therefore, it has been classified as a Variant of Uncertain Significance.